The following is an entry in ClinVar:

NM_000293.3(PHKB):c.2329_2336+5del

Gene: PHKB (phosphorylase kinase regulatory subunit beta; plus strand). Cytogenetic location: 16q12.1.
Variant type: Deletion.
Coding change: c.2329_2336+5del on transcript NM_000293.3 (MANE Select); coding-DNA position 2329 through 5 bases into the intron after coding-DNA position 2336, 13 bases deleted (AAACTTTGGTTTG).
Molecular consequence: splice donor variant.
Genome position (GRCh38, 1-based): chr16:47,663,727-47,663,739, AAACTTTGGTTTG deleted. VCF-style (leftmost placement, unchanged base first): chr16-47663726-AAAACTTTGGTTTG-A. GRCh37 (hg19) VCF-style: chr16-47697637-AAAACTTTGGTTTG-A.
Other names: c.2329_2336+5del (NM_001363837.1); c.2308_2315+5del (NM_001031835.3).
Identifiers: ClinVar variation 2195216 (VCV002195216.4), dbSNP rs755100317, ClinGen allele CA8041148.
Genomic context (GRCh38, chr16:47,663,726, plus strand): 5'-CCAATGTCTAGGTACCGTTTCTGATCACATTGAGAGAGTCTATAGAAGAGCTGGCAGCCA[AAAACTTTGGTTTG>A]TATTAGTGTCCTTGTTGTTATGTTTTATTTTTGTGTTGTTATATTCGATAGCCTAAAGAA-3'

ClinVar aggregate classification (germline): Likely pathogenic (1 of 4 stars; one submission).

Conditions:
Glycogen storage disease IXb (GSD9B). Also called: PHOSPHORYLASE KINASE DEFICIENCY OF LIVER AND MUSCLE, AUTOSOMAL RECESSIVE; GLYCOGENOSIS OF LIVER AND MUSCLE, AUTOSOMAL RECESSIVE; GSD IXb. Identifiers: Orphanet 79240, MedGen C0543514, MONDO:0009868, OMIM 261750.

Allele frequency attached by ClinVar (database versions not stated): gnomAD exomes below 0.00001; ExAC 0.00001; gnomAD 0.00003; TOPMed 0.00003.

Submission:

Labcorp Genetics (formerly Invitae), Labcorp
Classification: Likely pathogenic for Glycogen storage disease IXb. Last evaluated: 2025-06-15. Review status: criteria provided, single submitter. Criteria: Invitae Variant Classification Sherloc (09022015). Collection method: clinical testing. Allele origin: germline.
Comment: This variant results in the deletion of part of exon 24 (c.2329_2336+5del) of the PHKB gene. It is expected to disrupt RNA splicing. Variants that disrupt the donor or acceptor splice site typically lead to a loss of protein function (PMID: 16199547), and loss-of-function variants in PHKB are known to be pathogenic (PMID: 9215682, 9326319). This variant is present in population databases (rs755100317, gnomAD 0.0009%). This variant has not been reported in the literature in individuals affected with PHKB-related conditions. ClinVar contains an entry for this variant (Variation ID: 2195216). In summary, the currently available evidence indicates that the variant is pathogenic, but additional data are needed to prove that conclusively. Therefore, this variant has been classified as Likely Pathogenic.

Literature cited by the submitters: PubMed 16199547; PubMed 9215682; PubMed 9326319.